The following is an entry in ClinVar:

ClinVar aggregate classification (germline): Likely benign. Review status: criteria provided, multiple submitters, no conflicts (2 of 4 stars). 3 submissions from 3 submitters: Likely benign (2). 1 of the submissions does not count toward it. Last evaluated 2025-12-03.

Conditions:
CAPN5-related disorder. Also called: CAPN5-related condition.

Allele frequency attached by ClinVar (database versions not stated): 1000 Genomes Project 30x 0.00016; TOPMed 0.00018; gnomAD 0.00019; 1000 Genomes Project 0.00020; ESP Exome Variant Server 0.00031.
gnomAD v4.1: 400 of 1,610,336 alleles (0.025%); highest among the groups gnomAD compares: Admixed American, 0.042%; no homozygotes.

Submissions (3):

Labcorp Genetics (formerly Invitae), Labcorp
Classification: Likely benign. Last evaluated: 2025-12-03. Review status: criteria provided, single submitter. Criteria: Invitae Variant Classification Sherloc (09022015). Collection method: clinical testing. Allele origin: germline.

Blueprint Genetics
Classification: Likely benign. Last evaluated: 2024-02-13. Review status: criteria provided, single submitter. Criteria: ACMG Guidelines, 2015. Collection method: clinical testing. Allele origin: germline.

PreventionGenetics, part of Exact Sciences
Classification: Likely benign for CAPN5-related condition. Last evaluated: 2019-06-17. Review status: no assertion criteria provided. Collection method: clinical testing. Allele origin: germline. Not counted in ClinVar's aggregate classification.
Comment: This variant is classified as likely benign based on ACMG/AMP sequence variant interpretation guidelines (Richards et al. 2015 PMID: 25741868, with internal and published modifications).

NM_004055.5(CAPN5):c.285G>A (p.Ser95=)

Gene: CAPN5 (calpain 5; plus strand). Cytogenetic location: 11q13.5.
Variant type: single nucleotide variant.
Coding change: c.285G>A on transcript NM_004055.5 (MANE Select); coding-DNA position 285, G replaced by A.
Protein change: p.Ser95=; no amino-acid change (serine 95 retained).
Molecular consequence: synonymous variant.
Genome position (GRCh38, 1-based): chr11:77,093,801, G>A. VCF-style: chr11-77093801-G-A. GRCh37 (hg19) VCF-style: chr11-76804847-G-A.
Other names: c.285G>A (NM_004055.4).
Identifiers: ClinVar variation 1080546 (VCV001080546.12), dbSNP rs144932888, ClinGen allele CA6196221.